The following is an entry in ClinVar:

ClinVar aggregate classification (germline): Uncertain significance (1 of 4 stars; one submission).

Conditions:
3-hydroxyisobutyryl-CoA hydrolase deficiency. Also called: HIBCH DEFICIENCY; VALINE METABOLIC DEFECT; METHACRYLIC ACID TOXICITY; METHACRYLIC ACIDURIA; Reduced circulating 3-hydroxyisobutyryl-CoA hydrolase activity; Deficiency of 3-hydroxyisobutyryl CoA hydrolase. Identifiers: Orphanet 88639, MedGen C0342738, MONDO:0009603, OMIM 250620, HP:6000215.

Allele frequency attached by ClinVar (database versions not stated): gnomAD exomes 0.00001.
gnomAD v4.1: 3 of 1,613,678 alleles (0.00019%); highest among the groups gnomAD compares: Non-Finnish European, 0.00025%; no homozygotes.

Submission:

Labcorp Genetics (formerly Invitae), Labcorp
Classification: Uncertain significance for 3-hydroxyisobutyryl-CoA hydrolase deficiency. Last evaluated: 2022-08-16. Review status: criteria provided, single submitter. Criteria: Invitae Variant Classification Sherloc (09022015). Collection method: clinical testing. Allele origin: germline.
Comment: In summary, the available evidence is currently insufficient to determine the role of this variant in disease. Therefore, it has been classified as a Variant of Uncertain Significance. Advanced modeling of protein sequence and biophysical properties (such as structural, functional, and spatial information, amino acid conservation, physicochemical variation, residue mobility, and thermodynamic stability) performed at Invitae indicates that this missense variant is expected to disrupt HIBCH protein function. ClinVar contains an entry for this variant (Variation ID: 1491325). This variant has not been reported in the literature in individuals affected with HIBCH-related conditions. This variant is not present in population databases (gnomAD no frequency). This sequence change replaces glycine, which is neutral and non-polar, with valine, which is neutral and non-polar, at codon 345 of the HIBCH protein (p.Gly345Val).

NM_014362.4(HIBCH):c.1034G>T (p.Gly345Val)

Gene: HIBCH (3-hydroxyisobutyryl-CoA hydrolase; minus strand). Cytogenetic location: 2q32.2.
Variant type: single nucleotide variant.
Coding change: c.1034G>T on transcript NM_014362.4 (MANE Select); coding-DNA position 1034, G replaced by T.
Protein change: p.Gly345Val; replaces glycine 345 with valine.
Molecular consequence: missense variant. On other transcripts: intron variant (1).
Genome position (GRCh38, 1-based): chr2:190,208,891, C>A on the plus strand (G>T on the coding strand, the complement: HIBCH is on the minus strand). VCF-style: chr2-190208891-C-A. GRCh37 (hg19) VCF-style: chr2-191073617-C-A.
Other names: c.1012-3659G>T (NM_198047.3); short protein forms G345V.
Identifiers: ClinVar variation 1491325 (VCV001491325.4), dbSNP rs1260531370, ClinGen allele CA349894124.